The following is an entry in ClinVar:

ClinVar aggregate classification (germline): Uncertain significance. Review status: criteria provided, single submitter (1 of 4 stars). 2 submissions from 2 submitters: Uncertain significance (1). 1 of the submissions does not count toward it. Last evaluated 2023-11-07.

Conditions:
Breast-ovarian cancer, familial, susceptibility to, 2 (BROVCA2). Also called: BRCA2 Hereditary Breast and Ovarian Cancer. Identifiers: Orphanet 145, MedGen C2675520, MONDO:0012933, OMIM 612555. Disease mechanism: loss of function.

Submissions (2):

ARUP Laboratories, Molecular Genetics and Genomics, ARUP Laboratories
Classification: Uncertain significance. Last evaluated: 2023-11-07. Review status: criteria provided, single submitter. Criteria: ARUP Molecular Germline Variant Investigation Process 2024. Collection method: clinical testing. Allele origin: germline.
Comment: The BRCA2 c.6936T>A; p.Asp2312Glu variant (rs80358917), to our knowledge, is not reported in the medical literature but is reported in ClinVar (Variation ID: 52221). This variant is absent from the Genome Aggregation Database, indicating it is not a common polymorphism. Computational analyses are uncertain whether this variant is neutral or deleterious (REVEL: 0.567). Due to limited information, the clinical significance of the p.Asp2312Glu variant is uncertain at this time.

Breast Cancer Information Core (BIC) (BRCA2)
Classification: Uncertain significance for Breast-ovarian cancer, familial 2. Review status: no assertion criteria provided. Collection method: clinical testing. Allele origin: germline. Affected: yes. Observed: 1 variant allele. Not counted in ClinVar's aggregate classification.

NM_000059.4(BRCA2):c.6936T>A (p.Asp2312Glu)

Gene: BRCA2 (BRCA2 DNA repair associated; plus strand). Cytogenetic location: 13q13.1.
Variant type: single nucleotide variant.
Coding change: c.6936T>A on transcript NM_000059.4 (MANE Select); coding-DNA position 6936, T replaced by A.
Protein change: p.Asp2312Glu; replaces aspartic acid 2312 with glutamic acid.
Molecular consequence: missense variant.
Genome position (GRCh38, 1-based): chr13:32,344,652, T>A. VCF-style: chr13-32344652-T-A. GRCh37 (hg19) VCF-style: chr13-32918789-T-A.
Other names: short protein forms D2312E.
Identifiers: ClinVar variation 52221 (VCV000052221.3), dbSNP rs80358917, ClinGen allele CA024573.